The following is an entry in ClinVar:

NM_001367624.2(ZNF469):c.2666C>T (p.Ala889Val)

Gene: ZNF469 (zinc finger protein 469; plus strand). Cytogenetic location: 16q24.2.
Variant type: single nucleotide variant.
Coding change: c.2666C>T on transcript NM_001367624.2 (MANE Select); coding-DNA position 2666, C replaced by T.
Protein change: p.Ala889Val; replaces alanine 889 with valine.
Molecular consequence: missense variant.
Genome position (GRCh38, 1-based): chr16:88,430,136, C>T. VCF-style: chr16-88430136-C-T. GRCh37 (hg19) VCF-style: chr16-88496544-C-T.
Other names: NM_001127464.1:c.2666C>T; NM_001127464.2:c.2666C>T; p.Ala889Val; short protein forms A889V.
Identifiers: ClinVar variation 320889 (VCV000320889.26), dbSNP rs145186655, ClinGen allele CA8224790.

ClinVar aggregate classification (germline): Benign/Likely benign. Review status: criteria provided, multiple submitters, no conflicts (2 of 4 stars). 9 submissions from 9 submitters: Benign (7); Likely benign (2). Last evaluated 2026-04-01.

Conditions:
Cardiovascular phenotype. Identifiers: MedGen CN230736.
Ehlers-Danlos syndrome (EDS). Identifiers: Orphanet 98249, MedGen C0013720, MONDO:0020066.
Brittle cornea syndrome 1 (BCS1). Also called: DYSGENESIS MESODERMALIS CORNEAE ET SCLERAE; Corneal fragility keratoglobus, blue sclerae AND joint hypermobility; CORNEAL FRAGILITY, KERATOGLOBUS, BLUE SCLERAE, JOINT HYPEREXTENSIBILITY; EDS6B; FRAGILITAS OCULI WITH JOINT HYPEREXTENSIBILITY. Identifiers: Orphanet 90354, MedGen C0268344, MONDO:0024543, OMIM 229200.

Allele frequency attached by ClinVar (database versions not stated): ExAC 0.00221; TOPMed 0.01002; 1000 Genomes Project 0.01178; 1000 Genomes Project 30x 0.01187.
gnomAD v4.1: 3,102 of 1,550,136 alleles (0.2%); highest among the groups gnomAD compares: African/African-American, 3.5%; 46 homozygotes.

Submissions (11):

Women's Health and Genetics/Laboratory Corporation of America, LabCorp
Classification: Benign. Last evaluated: 2026-04-01. Review status: criteria provided, single submitter. Criteria: LabCorp Variant Classification Summary - May 2015. Collection method: clinical testing. Allele origin: germline.
Comment: Variant summary: ZNF469 c.2666C>T (p.Ala889Val) results in a non-conservative amino acid change in the encoded protein sequence. Algorithms developed to predict the effect of missense changes on protein structure and function are either unavailable or do not agree on the potential impact of this missense change. The variant allele was found at a frequency of 0.0022 in 148484 control chromosomes, predominantly at a frequency of 0.033 within the African or African-American subpopulation in the gnomAD database, including 3 homozygotes. The observed variant frequency within African or African-American control individuals in the gnomAD database exceeds the estimated maximal expected allele frequency for disease-causing variants in ZNF469. To our knowledge, no occurrence of c.2666C>T in individuals affected with ZNF469-related conditions and no experimental evidence demonstrating its impact on protein function have been reported. ClinVar contains an entry for this variant (Variation ID: 320889). Based on the evidence outlined above, the variant was classified as benign.

Labcorp Genetics (formerly Invitae), Labcorp
Classification: Benign. Last evaluated: 2026-02-04. Review status: criteria provided, single submitter. Criteria: Invitae Variant Classification Sherloc (09022015). Collection method: clinical testing. Allele origin: germline.

Mayo Clinic Laboratories, Mayo Clinic
Classification: Benign. Last evaluated: 2023-04-24. Review status: criteria provided, single submitter. Criteria: ACMG Guidelines, 2015. Collection method: clinical testing. Allele origin: germline. Observed: 11 variant alleles.
Comment: BS1, BS2, BP4

Genome Diagnostics Laboratory, The Hospital for Sick Children
Classification: Benign for Ehlers-Danlos syndrome. Last evaluated: 2022-06-13. Review status: criteria provided, single submitter. Criteria: ACMG Guidelines, 2015. Collection method: clinical testing. Allele origin: germline.

Genome-Nilou Lab
Classification: Benign for Brittle cornea syndrome 1. Last evaluated: 2021-12-05. Review status: criteria provided, single submitter. Criteria: ACMG Guidelines, 2015. Collection method: clinical testing. Allele origin: germline. Affected: no.

Ambry Genetics
Classification: Benign for Cardiovascular phenotype. Last evaluated: 2019-05-15. Review status: criteria provided, single submitter. Criteria: Ambry Variant Classification Scheme 2023. Collection method: clinical testing. Allele origin: germline.

GeneDx
Classification: Benign. Last evaluated: 2019-03-11. Review status: criteria provided, single submitter. Criteria: GeneDx Variant Classification Process June 2021. Collection method: clinical testing. Allele origin: germline. Affected: yes.

Center for Pediatric Genomic Medicine, Children's Mercy Hospital and Clinics
Classification: Likely benign. Last evaluated: 2016-12-30. Review status: criteria provided, single submitter. Criteria: ACMG Guidelines, 2015. Collection method: clinical testing. Allele origin: germline.
ClinVar note: Converted during submission from Likely Benign to Likely benign.

Breakthrough Genomics
Classification: Likely benign. Review status: criteria provided, single submitter. Criteria: ACMG Guidelines, 2015. Collection method: not provided. Allele origin: germline. Inheritance: Autosomal recessive inheritance. Affected: yes.

Dr. Peter K. Rogan Lab, Western University
No classification provided (evidence only). Condition: Ovarian serous cystadenocarcinoma. Review status: no classification provided. Collection method: in vitro. Allele origin: not applicable. Functional consequence: retained intron. Not counted in ClinVar's aggregate classification.

Dr. Peter K. Rogan Lab, Western University
No classification provided (evidence only). Condition: Cervical cancer. Review status: no classification provided. Collection method: in vitro. Allele origin: not applicable. Functional consequence: retained intron. Not counted in ClinVar's aggregate classification.